The following is an entry in ClinVar:

NM_022100.3(MRPS14):c.182C>A (p.Thr61Asn)

Gene: MRPS14 (mitochondrial ribosomal protein S14; minus strand). Cytogenetic location: 1q25.1.
Variant type: single nucleotide variant.
Coding change: c.182C>A on transcript NM_022100.3 (MANE Select); coding-DNA position 182, C replaced by A.
Protein change: p.Thr61Asn; replaces threonine 61 with asparagine.
Molecular consequence: missense variant. On other transcripts: non-coding transcript variant (1).
Genome position (GRCh38, 1-based): chr1:175,018,440, G>T on the plus strand (C>A on the coding strand, the complement: MRPS14 is on the minus strand). VCF-style: chr1-175018440-G-T. GRCh37 (hg19) VCF-style: chr1-174987576-G-T.
Other names: short protein forms T61N.
Identifiers: ClinVar variation 4803480 (VCV004803480.1).

ClinVar aggregate classification (germline): Uncertain significance (1 of 4 stars; one submission).

gnomAD v4.1: 21 of 1,600,920 alleles (0.0013%); highest among the groups gnomAD compares: African/African-American, 0.023%; no homozygotes.

Submission:

Labcorp Genetics (formerly Invitae), Labcorp
Classification: Uncertain significance. Last evaluated: 2025-08-07. Review status: criteria provided, single submitter. Criteria: Invitae Variant Classification Sherloc (09022015). Collection method: clinical testing. Allele origin: germline.
Comment: This sequence change replaces threonine, which is neutral and polar, with asparagine, which is neutral and polar, at codon 61 of the MRPS14 protein (p.Thr61Asn). This variant is present in population databases (rs777617152, gnomAD 0.05%). This variant has not been reported in the literature in individuals affected with MRPS14-related conditions. An algorithm developed to predict the effect of missense changes on protein structure and function (PolyPhen-2) suggests that this variant is likely to be tolerated. In summary, the available evidence is currently insufficient to determine the role of this variant in disease. Therefore, it has been classified as a Variant of Uncertain Significance.